The following is an entry in ClinVar:

NM_000222.3(KIT):c.853T>C (p.Ser285Pro)

Gene: KIT (KIT proto-oncogene, receptor tyrosine kinase; plus strand). Cytogenetic location: 4q12.
Variant type: single nucleotide variant.
Coding change: c.853T>C on transcript NM_000222.3 (MANE Select); coding-DNA position 853, T replaced by C.
Protein change: p.Ser285Pro; replaces serine 285 with proline.
Molecular consequence: missense variant.
Genome position (GRCh38, 1-based): chr4:54,703,820, T>C. VCF-style: chr4-54703820-T-C. GRCh37 (hg19) VCF-style: chr4-55569986-T-C.
Other names: c.853T>C, p.Ser285Pro (NM_001093772.2, NM_001385285.1, NM_001385286.1); c.856T>C, p.Ser286Pro (NM_001385284.1, NM_001385288.1, NM_001385290.1 and 1 more transcripts); short protein forms S286P, S285P.
Identifiers: ClinVar variation 1763792 (VCV001763792.2), dbSNP rs2475469488, ClinGen allele CA356899921.

ClinVar aggregate classification (germline): Uncertain significance (1 of 4 stars; one submission).

Conditions:
Hereditary cancer-predisposing syndrome. Also called: Neoplastic Syndromes, Hereditary; Tumor predisposition; Hereditary Cancer Syndrome; Hereditary neoplastic syndrome. Identifiers: Orphanet 140162, MedGen C0027672, MeSH D009386, MONDO:0015356.

Submission:

Ambry Genetics
Classification: Uncertain significance for Hereditary cancer-predisposing syndrome. Last evaluated: 2021-07-31. Review status: criteria provided, single submitter. Criteria: Ambry Variant Classification Scheme 2023. Collection method: clinical testing. Allele origin: germline.
Comment: The p.S285P variant (also known as c.853T>C), located in coding exon 5 of the KIT gene, results from a T to C substitution at nucleotide position 853. The serine at codon 285 is replaced by proline, an amino acid with similar properties. This amino acid position is conserved. In addition, the in silico prediction for this alteration is inconclusive. Since supporting evidence is limited at this time, the clinical significance of this alteration remains unclear.